The following is an entry in ClinVar:

NM_000535.7(PMS2):c.1663C>A (p.Gln555Lys)

Gene: PMS2 (PMS1 homolog 2, mismatch repair system component; minus strand). Cytogenetic location: 7p22.1.
Variant type: single nucleotide variant.
Coding change: c.1663C>A on transcript NM_000535.7 (MANE Select); coding-DNA position 1663, C replaced by A.
Protein change: p.Gln555Lys; replaces glutamine 555 with lysine.
Molecular consequence: missense variant. On other transcripts: non-coding transcript variant (1).
Genome position (GRCh38, 1-based): chr7:5,987,102, G>T on the plus strand (C>A on the coding strand, the complement: PMS2 is on the minus strand). VCF-style: chr7-5987102-G-T. GRCh37 (hg19) VCF-style: chr7-6026733-G-T.
Other names: c.1354C>A, p.Gln452Lys (NM_001406877.1, NM_001406878.1, NM_001406879.1 and 5 more transcripts); c.1345C>A, p.Gln449Lys (NM_001406883.1, NM_001406903.1, NM_001322007.2 and 2 more transcripts); c.1339C>A, p.Gln447Lys (NM_001406884.1); c.1327C>A, p.Gln443Lys (NM_001406885.1); c.1297C>A, p.Gln433Lys (NM_001406886.1); c.1258C>A, p.Gln420Lys (NM_001406896.1, NM_001406897.1, NM_001406898.1 and 17 more transcripts); c.1198C>A, p.Gln400Lys (NM_001406900.1); c.1189C>A, p.Gln397Lys (NM_001406901.1, NM_001406902.1); and 12 more; short protein forms Q298K, Q364K, Q384K, Q420K, Q449K, Q499K, Q503K, Q563K.
Identifiers: ClinVar variation 2105743 (VCV002105743.4), dbSNP rs1554297399, ClinGen allele CA366741317.

ClinVar aggregate classification (germline): Uncertain significance (1 of 4 stars; one submission).

Conditions:
Hereditary nonpolyposis colorectal neoplasms. Identifiers: MedGen C0009405, MeSH D003123.

Allele frequency attached by ClinVar (database versions not stated): gnomAD exomes below 0.00001.
gnomAD v4.1: 1 of 1,614,070 alleles (0.000062%); highest among the groups gnomAD compares: Non-Finnish European, 0.000085%; no homozygotes.

Submission:

Labcorp Genetics (formerly Invitae), Labcorp
Classification: Uncertain significance for Hereditary nonpolyposis colorectal neoplasms. Last evaluated: 2022-03-02. Review status: criteria provided, single submitter. Criteria: Invitae Variant Classification Sherloc (09022015). Collection method: clinical testing. Allele origin: germline.
Comment: Advanced modeling of protein sequence and biophysical properties (such as structural, functional, and spatial information, amino acid conservation, physicochemical variation, residue mobility, and thermodynamic stability) performed at Invitae indicates that this missense variant is not expected to disrupt PMS2 protein function. This variant has not been reported in the literature in individuals affected with PMS2-related conditions. This variant is not present in population databases (gnomAD no frequency). This sequence change replaces glutamine, which is neutral and polar, with lysine, which is basic and polar, at codon 555 of the PMS2 protein (p.Gln555Lys). In summary, the available evidence is currently insufficient to determine the role of this variant in disease. Therefore, it has been classified as a Variant of Uncertain Significance.